The following is an entry in ClinVar:

ClinVar aggregate classification (germline): Uncertain significance (0 of 4 stars; one submission).

Conditions:
Prostate cancer. Also called: Malignant tumor of prostate. Identifiers: Orphanet 1331, MedGen C0376358, MONDO:0008315, HP:0012125.

Allele frequency attached by ClinVar (database versions not stated): gnomAD exomes below 0.00001; ExAC 0.00001; TOPMed below 0.00001.
gnomAD v4.1: 3 of 1,614,098 alleles (0.00019%); highest among the groups gnomAD compares: African/African-American, 0.0013%; no homozygotes.

Submission:

Science for Life laboratory,  Karolinska Institutet
Classification: Uncertain significance for Malignant tumor of prostate. Review status: no assertion criteria provided. Collection method: not provided. Allele origin: somatic.
Comment: TumorID:SWE-92C
ClinVar note: Converted during submission from Unknown to Uncertain significance.

NM_004054.4(C3AR1):c.1148T>C (p.Val383Ala)

Gene: C3AR1 (complement C3a receptor 1; minus strand). Cytogenetic location: 12p13.31.
Variant type: single nucleotide variant.
Coding change: c.1148T>C on transcript NM_004054.4 (MANE Select); coding-DNA position 1148, T replaced by C.
Protein change: p.Val383Ala; replaces valine 383 with alanine.
Molecular consequence: missense variant.
Genome position (GRCh38, 1-based): chr12:8,059,038, A>G on the plus strand (T>C on the coding strand, the complement: C3AR1 is on the minus strand). VCF-style: chr12-8059038-A-G. GRCh37 (hg19) VCF-style: chr12-8211634-A-G.
Other names: c.1148T>C, p.Val383Ala (NM_001326475.2, NM_001326477.2); short protein forms V383A.
Identifiers: ClinVar variation 161619 (VCV000161619.2), dbSNP rs193921139, ClinGen allele CA174466.
Genomic context (GRCh38, chr12:8,059,038, plus strand): 5'-GTAAGCAATGACAGGACTCCAAAAATGTGGTATGGAGTCCAGCAGACAAGAAAGACAGCC[A>G]CCACCACCACGGCCACTCGAAAGGTTTTGCTCTGAGACTTGGCGAAGCGGCCCCTTTGCA-3'
Protein context (NP_004045.1, residues 373-393): SKTFRVAVVV[Val383Ala]AVFLVCWTPY